The following is an entry in ClinVar:

NM_006767.4(LZTR1):c.718del (p.Met240fs)

Gene: LZTR1 (leucine zipper like post translational regulator 1; plus strand). Cytogenetic location: 22q11.21.
Variant type: Deletion.
Coding change: c.718del on transcript NM_006767.4 (MANE Select); coding-DNA position 718, one base deleted (A; older notation c.718delA).
Protein change: p.Met240fs; shifts the reading frame from methionine 240.
Molecular consequence: frameshift variant.
Genome position (GRCh38, 1-based): chr22:20,990,452, A deleted. VCF-style (leftmost placement, unchanged base first): chr22-20990451-GA-G. GRCh37 (hg19) VCF-style: chr22-21344740-GA-G.
Other names: short protein forms M240fs.
Identifiers: ClinVar variation 3238332 (VCV003238332.3), dbSNP rs2518615777.

ClinVar aggregate classification (germline): Pathogenic/Likely pathogenic. Review status: criteria provided, multiple submitters, no conflicts (2 of 4 stars). 3 submissions from 3 submitters: Pathogenic (2); Likely pathogenic (1). Last evaluated 2025-11-19.

Conditions:
Cardiovascular phenotype. Identifiers: MedGen CN230736.
Hereditary cancer-predisposing syndrome. Also called: Tumor predisposition; Hereditary Cancer Syndrome; Hereditary neoplastic syndrome; Neoplastic Syndromes, Hereditary. Identifiers: Orphanet 140162, MedGen C0027672, MeSH D009386, MONDO:0015356.
LZTR1-related disorder. Also called: LZTR1-related disorders; LZTR1-related condition.

Allele frequency attached by ClinVar (database versions not stated): gnomAD exomes below 0.00001.

Submissions (3):

Labcorp Genetics (formerly Invitae), Labcorp
Classification: Pathogenic. Last evaluated: 2025-11-19. Review status: criteria provided, single submitter. Criteria: Invitae Variant Classification Sherloc (09022015). Collection method: clinical testing. Allele origin: germline.
Comment: This sequence change creates a premature translational stop signal (p.Met240Cysfs*12) in the LZTR1 gene. It is expected to result in an absent or disrupted protein product. Loss-of-function variants in LZTR1 are known to be pathogenic (PMID: 24362817, 25335493, 25480913, 25795793, 29469822, 30368668, 30442762, 30442766, 30481304, 30859559). This variant is not present in population databases (gnomAD no frequency). This variant has not been reported in the literature in individuals affected with LZTR1-related conditions. ClinVar contains an entry for this variant (Variation ID: 3238332). For these reasons, this variant has been classified as Pathogenic.

Ambry Genetics
Classification: Pathogenic for Cardiovascular phenotype; Hereditary cancer-predisposing syndrome. Last evaluated: 2024-01-11. Review status: criteria provided, single submitter. Criteria: Ambry Variant Classification Scheme 2023. Collection method: clinical testing. Allele origin: germline.
Comment: The c.718delA pathogenic mutation, located in coding exon 8 of the LZTR1 gene, results from a deletion of one nucleotide at nucleotide position 718, causing a translational frameshift with a predicted alternate stop codon (p.M240Cfs*12). This variant is considered to be rare based on population cohorts in the Genome Aggregation Database (gnomAD). This alteration is expected to result in loss of function by premature protein truncation or nonsense-mediated mRNA decay. Loss-of-function variants in LZTR1 are related to an increased risk for schwannomas and autosomal recessive Noonan syndrome; however, such associations with autosomal dominant Noonan syndrome have not been observed (Piotrowski A et al. Nat Genet. 2014 Feb;46:182-7; Yamamoto GL et al. J Med Genet. 2015 Jun;52:413-21; Johnston JJ et al. Genet Med. 2018 10;20:1175-1185). Based on the supporting evidence, this variant is pathogenic for an increased risk of LZTR1-related schwannomatosis (SWN) and would be expected to cause autosomal recessive Noonan syndrome when present along with a second pathogenic or likely pathogenic variant on the other allele; however, the association of this alteration with autosomal dominant Noonan syndrome is unlikely.

Blueprint Genetics
Classification: Likely pathogenic for LZTR1-related disorders. Last evaluated: 2019-12-01. Review status: criteria provided, single submitter. Criteria: ACMG Guidelines, 2015. Collection method: clinical testing. Allele origin: germline. Affected: yes. Observed: 2 variant alleles.

Literature cited by the submitters: PubMed 24362817 (cited by Labcorp Genetics (formerly Invitae), Labcorp); PubMed 25335493 (cited by Labcorp Genetics (formerly Invitae), Labcorp); PubMed 25480913 (cited by Labcorp Genetics (formerly Invitae), Labcorp); PubMed 25795793 (cited by Labcorp Genetics (formerly Invitae), Labcorp); PubMed 29469822 (cited by Labcorp Genetics (formerly Invitae), Labcorp); PubMed 30368668 (cited by Labcorp Genetics (formerly Invitae), Labcorp); PubMed 30442762 (cited by Labcorp Genetics (formerly Invitae), Labcorp); PubMed 30442766 (cited by Labcorp Genetics (formerly Invitae), Labcorp); PubMed 30481304 (cited by Labcorp Genetics (formerly Invitae), Labcorp); PubMed 30859559 (cited by Labcorp Genetics (formerly Invitae), Labcorp).